The following is an entry in ClinVar:

ClinVar aggregate classification (germline): Pathogenic. Review status: reviewed by expert panel (3 of 4 stars). 3 submissions from 3 submitters: Pathogenic (1). 2 of the submissions do not count toward it. Last evaluated 2016-09-08.

Conditions:
Breast-ovarian cancer, familial, susceptibility to, 1 (BROVCA1). Also called: OVARIAN CANCER, SUSCEPTIBILITY TO; BRCA1 Hereditary Breast and Ovarian Cancer. Identifiers: Orphanet 145, MedGen C2676676, MONDO:0011450, OMIM 604370. Disease mechanism: loss of function.

Submissions (3):

Evidence-based Network for the Interpretation of Germline Mutant Alleles (ENIGMA)
Classification: Pathogenic for Breast-ovarian cancer, familial, susceptibility to, 1. Last evaluated: 2016-09-08. Review status: reviewed by expert panel. Criteria: ENIGMA BRCA1/2 Classification Criteria (2015). Collection method: curation. Allele origin: germline.
Comment: Variant allele predicted to encode a truncated non-functional protein.

Consortium of Investigators of Modifiers of BRCA1/2 (CIMBA), c/o University of Cambridge
Classification: Pathogenic for Breast-ovarian cancer, familial, susceptibility to, 1. Last evaluated: 2015-10-02. Review status: criteria provided, single submitter. Criteria: CIMBA Mutation Classification guidelines May 2016. Collection method: clinical testing. Allele origin: germline. Not counted in ClinVar's aggregate classification.

Breast Cancer Information Core (BIC) (BRCA1)
Classification: Pathogenic for Breast-ovarian cancer, familial 1. Last evaluated: 1997-04-10. Review status: no assertion criteria provided. Collection method: clinical testing. Allele origin: germline. Affected: yes. Observed: 1 variant allele. Not counted in ClinVar's aggregate classification.

NM_007294.4(BRCA1):c.2749dup (p.Ile917fs)

Gene: BRCA1 (BRCA1 DNA repair associated; minus strand). Cytogenetic location: 17q21.31.
Variant type: Duplication.
Coding change: c.2749dup on transcript NM_007294.4 (MANE Select); coding-DNA position 2749, one base duplicated (A; older notation c.2749dupA).
Protein change: p.Ile917fs; shifts the reading frame from isoleucine 917.
Molecular consequence: frameshift variant. On other transcripts: intron variant (137).
Genome position (GRCh38, 1-based): chr17:43,092,782, T duplicated on the plus strand (A on the coding strand, the reverse complement: BRCA1 is on the minus strand). VCF-style (leftmost placement, unchanged base first): chr17-43092781-A-AT. GRCh37 (hg19) VCF-style: chr17-41244798-A-AT.
Other names: 2867insA; c.2749dupA (NM_007294.3); c.2539dup, p.Ile847fs (NM_001407889.1, NM_001407900.1, NM_001407902.1 and 13 more transcripts); c.2536dup, p.Ile846fs (NM_001407894.1, NM_001407895.1, NM_001407896.1 and 9 more transcripts); c.2626dup, p.Ile876fs (NM_001407919.1, NM_001407937.1, NM_001407938.1 and 19 more transcripts); c.2485dup, p.Ile829fs (NM_001407920.1, NM_001407921.1, NM_001407922.1 and 9 more transcripts); c.2482dup, p.Ile828fs (NM_001407930.1, NM_001407931.1, NM_001407932.1 and 2 more transcripts); c.2623dup, p.Ile875fs (NM_001407940.1, NM_001407941.1, NM_001407649.1 and 11 more transcripts); and 43 more; short protein forms I870fs, I917fs, I805fs, I828fs, I847fs, I849fs, I869fs, I621fs.
Identifiers: ClinVar variation 54670 (VCV000054670.5), dbSNP rs80357942, ClinGen allele CA001809.
Genomic context (GRCh38, chr17:43,092,781, plus strand): 5'-TTATCTTTCTGACCAACCACAGGAAAGCCTGCAGTGATATTAACTGTCTGTACAGGCTTG[A>AT]TATTAGACTCATTCTTTCCTTGATTTTCTTCCTTTTGTTCACATTCAAAAGTGACTTTTG-3'